The following is an entry in ClinVar:

ClinVar aggregate classification (germline): Uncertain significance (1 of 4 stars; one submission).

Conditions:
TTC21B-related disorder. Also called: TTC21B-related disorders; TTC21B-related condition.

gnomAD v4.1: 2 of 1,614,214 alleles (0.00012%); highest among the groups gnomAD compares: South Asian, 0.0022%; no homozygotes.

Submission:

PreventionGenetics, part of Exact Sciences
Classification: Uncertain significance for TTC21B-related condition. Last evaluated: 2025-05-28. Review status: criteria provided, single submitter. Criteria: ACMG Guidelines, 2015. Collection method: clinical testing. Allele origin: germline.
Comment: The TTC21B c.1823A>T variant is predicted to result in the amino acid substitution p.Lys608Ile. To our knowledge, this variant has not been reported in the literature. This variant is reported in 0.0033% of alleles in individuals of South Asian descent in gnomAD. At this time, the clinical significance of this variant is uncertain due to the absence of conclusive functional and genetic evidence.

NM_024753.5(TTC21B):c.1823A>T (p.Lys608Ile)

Gene: TTC21B (tetratricopeptide repeat domain 21B; minus strand). Cytogenetic location: 2q24.3.
Variant type: single nucleotide variant.
Coding change: c.1823A>T on transcript NM_024753.5 (MANE Select); coding-DNA position 1823, A replaced by T.
Protein change: p.Lys608Ile; replaces lysine 608 with isoleucine.
Molecular consequence: missense variant.
Genome position (GRCh38, 1-based): chr2:165,917,333, T>A on the plus strand (A>T on the coding strand, the complement: TTC21B is on the minus strand). VCF-style: chr2-165917333-T-A. GRCh37 (hg19) VCF-style: chr2-166773843-T-A.
Other names: short protein forms K608I.
Identifiers: ClinVar variation 5002137 (VCV005002137.1).